The following is an entry in ClinVar:

NM_001128840.3(CACNA1D):c.1221-3C>T

Gene: CACNA1D (calcium voltage-gated channel subunit alpha1 D; plus strand). Cytogenetic location: 3p21.1.
Variant type: single nucleotide variant.
Coding change: c.1221-3C>T on transcript NM_001128840.3 (MANE Select); 3 bases into the intron before coding-DNA position 1221, C replaced by T.
Molecular consequence: intron variant.
Genome position (GRCh38, 1-based): chr3:53,702,638, C>T. VCF-style: chr3-53702638-C-T. GRCh37 (hg19) VCF-style: chr3-53736665-C-T.
Other names: c.1221-3C>T (NM_001128839.3, NM_000720.4).
Identifiers: ClinVar variation 681145 (VCV000681145.1), dbSNP rs1576399962, ClinGen allele CA915942512.

ClinVar aggregate classification (germline): Likely benign (1 of 4 stars; one submission).

Submission:

GeneDx
Classification: Likely benign. Last evaluated: 2018-04-17. Review status: criteria provided, single submitter. Criteria: GeneDx Variant Classification (06012015). Collection method: clinical testing. Allele origin: germline. Affected: yes.
Comment: This variant is considered likely benign or benign based on one or more of the following criteria: it is a conservative change, it occurs at a poorly conserved position in the protein, it is predicted to be benign by multiple in silico algorithms, and/or has population frequency not consistent with disease.